The following is an entry in ClinVar:

NM_001042492.3(NF1):c.6007-179A>C

Gene: NF1 (neurofibromin 1; plus strand). Cytogenetic location: 17q11.2.
Variant type: single nucleotide variant.
Coding change: c.6007-179A>C on transcript NM_001042492.3 (MANE Select); 179 bases into the intron before coding-DNA position 6007, A replaced by C.
Molecular consequence: intron variant.
Genome position (GRCh38, 1-based): chr17:31,336,154, A>C. VCF-style: chr17-31336154-A-C. GRCh37 (hg19) VCF-style: chr17-29663172-A-C.
Other names: c.5944-179A>C (NM_000267.4).
Identifiers: ClinVar variation 561473 (VCV000561473.2), dbSNP rs10853138, ClinGen allele CA289385722.
Genomic context (GRCh38, chr17:31,336,154, plus strand): 5'-AAATTTTTGAATACCAATCTCTTAATCTCTGAAGGAGTCAAATGAATATACTCATCCTTT[A>C]CTGGATATTTTATAATAAATTGTATTTACTGACAGGCCTGTAAATAAAATCTAGTATTTT-3'

ClinVar aggregate classification (germline): Benign. Review status: criteria provided, multiple submitters, no conflicts (2 of 4 stars). 2 submissions from 2 submitters: Benign (2). Last evaluated 2018-06-20.

Allele frequency attached by ClinVar (database versions not stated): TOPMed 0.88270; 1000 Genomes Project 30x 0.88601; 1000 Genomes Project 0.88678; gnomAD 0.89083 and 0.89294.
gnomAD v4.1: 135,822 of 152,090 alleles (89%); highest among the groups gnomAD compares: South Asian, 95%; 60,811 homozygotes.

Submissions (2):

GeneDx
Classification: Benign. Last evaluated: 2018-06-20. Review status: criteria provided, single submitter. Criteria: GeneDx Variant Classification (06012015). Collection method: clinical testing. Allele origin: germline. Affected: yes.
Comment: This variant is considered likely benign or benign based on one or more of the following criteria: it is a conservative change, it occurs at a poorly conserved position in the protein, it is predicted to be benign by multiple in silico algorithms, and/or has population frequency not consistent with disease.

Breakthrough Genomics
Classification: Benign. Review status: criteria provided, single submitter. Criteria: ACMG Guidelines, 2015. Collection method: not provided. Allele origin: germline. Inheritance: Autosomal dominant inheritance. Affected: yes.